The following is an entry in ClinVar:

NM_003504.5(CDC45):c.1642G>T (p.Glu548Ter)

Gene: CDC45 (cell division cycle 45; plus strand). Cytogenetic location: 22q11.21.
Variant type: single nucleotide variant.
Coding change: c.1642G>T on transcript NM_003504.5 (MANE Select); coding-DNA position 1642, G replaced by T.
Protein change: p.Glu548Ter; replaces glutamic acid 548 with a stop codon.
Molecular consequence: nonsense. On other transcripts: non-coding transcript variant (1).
Genome position (GRCh38, 1-based): chr22:19,518,849, G>T. VCF-style: chr22-19518849-G-T. GRCh37 (hg19) VCF-style: chr22-19506372-G-T.
Other names: c.1738G>T, p.Glu580Ter (NM_001178010.2); c.1504G>T, p.Glu502Ter (NM_001178011.2); c.1606G>T, p.Glu536Ter (NM_001369291.1); short protein forms E502*, E548*, E580*, E536*.
Identifiers: ClinVar variation 4525735 (VCV004525735.1).

ClinVar aggregate classification (germline): Pathogenic (1 of 4 stars; one submission).

Conditions:
Meier-Gorlin syndrome 7. Identifiers: Orphanet 2554, MedGen C4310738, MONDO:0014894, OMIM 617063. Disease mechanism: loss of function.

Submission:

Women's Health and Genetics/Laboratory Corporation of America, LabCorp
Classification: Pathogenic for Meier-Gorlin syndrome 7. Last evaluated: 2025-07-21. Review status: criteria provided, single submitter. Criteria: LabCorp Variant Classification Summary - May 2015. Collection method: clinical testing. Allele origin: germline.
Comment: Variant summary: CDC45 c.1738G>T (p.Glu580X) results in a premature termination codon, predicted to cause a truncation of the encoded protein but is not expected to result in nonsense mediated decay. At least one pathogenic variant is found downstream of this stop codon. The variant allele was found at a frequency of 4e-06 in 251474 control chromosomes (gnomAD). To our knowledge, no occurrence of c.1738G>T in individuals affected with Meier-Gorlin Syndrome 7 and no experimental evidence demonstrating its impact on protein function have been reported. No submitters have cited clinical-significance assessments for this variant to ClinVar. Based on the evidence outlined above, the variant was classified as pathogenic.